The following is an entry in ClinVar:

NM_014112.5(TRPS1):c.3751G>A (p.Gly1251Ser)

Gene: TRPS1 (transcriptional repressor GATA binding 1; minus strand). Cytogenetic location: 8q23.3.
Variant type: single nucleotide variant.
Coding change: c.3751G>A on transcript NM_014112.5 (MANE Select); coding-DNA position 3751, G replaced by A.
Protein change: p.Gly1251Ser; replaces glycine 1251 with serine.
Molecular consequence: missense variant.
Genome position (GRCh38, 1-based): chr8:115,414,157, C>T on the plus strand (G>A on the coding strand, the complement: TRPS1 is on the minus strand). VCF-style: chr8-115414157-C-T. GRCh37 (hg19) VCF-style: chr8-116426385-C-T.
Other names: c.3724G>A, p.Gly1242Ser (NM_001282902.3); c.3730G>A, p.Gly1244Ser (NM_001282903.3); c.3712G>A, p.Gly1238Ser (NM_001330599.2); short protein forms G1251S, G1238S, G1242S, G1244S.
Identifiers: ClinVar variation 1388561 (VCV001388561.6), dbSNP rs1234476401, ClinGen allele CA372062060.

ClinVar aggregate classification (germline): Uncertain significance (1 of 4 stars; one submission).

Conditions:
Trichorhinophalangeal syndrome, type III (TRPS3). Also called: SUGIO-KAJII SYNDROME. Identifiers: Orphanet 77258, MedGen C1860823, OMIM 190351, MONDO:0008597.
Trichorhinophalangeal dysplasia type I (TRPS1). Also called: TRPS I; TRICHORHINOPHALANGEAL SYNDROME, TYPE I. Identifiers: Orphanet 77258, MedGen C0432233, MONDO:0008596, OMIM 190350.

Allele frequency attached by ClinVar (database versions not stated): gnomAD exomes below 0.00001; TOPMed below 0.00001.
gnomAD v4.1: 1 of 1,614,014 alleles (0.000062%); highest among the groups gnomAD compares: Admixed American, 0.0017%; no homozygotes.

Submission:

Labcorp Genetics (formerly Invitae), Labcorp
Classification: Uncertain significance for Trichorhinophalangeal syndrome, type III; Trichorhinophalangeal dysplasia type I. Last evaluated: 2021-10-22. Review status: criteria provided, single submitter. Criteria: Invitae Variant Classification Sherloc (09022015). Collection method: clinical testing. Allele origin: germline.
Comment: In summary, the available evidence is currently insufficient to determine the role of this variant in disease. Therefore, it has been classified as a Variant of Uncertain Significance. Algorithms developed to predict the effect of missense changes on protein structure and function are either unavailable or do not agree on the potential impact of this missense change (SIFT: "Deleterious"; PolyPhen-2: "Probably Damaging"; Align-GVGD: "Class C0"). This variant has not been reported in the literature in individuals affected with TRPS1-related conditions. This variant is not present in population databases (ExAC no frequency). This sequence change replaces glycine with serine at codon 1251 of the TRPS1 protein (p.Gly1251Ser). The glycine residue is moderately conserved and there is a small physicochemical difference between glycine and serine.